The following is an entry in ClinVar:

ClinVar aggregate classification (germline): Uncertain significance. Review status: criteria provided, multiple submitters, no conflicts (2 of 4 stars). 2 submissions from 2 submitters: Uncertain significance (2). Last evaluated 2024-08-28.

Conditions:
Inborn genetic diseases. Identifiers: MedGen C0950123, MeSH D030342.

Allele frequency attached by ClinVar (database versions not stated): TOPMed 0.00009; gnomAD 0.00010; gnomAD exomes 0.00010 and 0.00014; ExAC 0.00011; ESP Exome Variant Server 0.00015.
gnomAD v4.1: 216 of 1,613,996 alleles (0.013%); highest among the groups gnomAD compares: Non-Finnish European, 0.017%; no homozygotes.

Submissions (2):

Ambry Genetics
Classification: Uncertain significance for Inborn genetic diseases. Last evaluated: 2024-08-28. Review status: criteria provided, single submitter. Criteria: Ambry Variant Classification Scheme 2023. Collection method: clinical testing. Allele origin: germline.

Labcorp Genetics (formerly Invitae), Labcorp
Classification: Uncertain significance. Last evaluated: 2022-11-01. Review status: criteria provided, single submitter. Criteria: Invitae Variant Classification Sherloc (09022015). Collection method: clinical testing. Allele origin: germline.
Comment: This sequence change replaces serine, which is neutral and polar, with leucine, which is neutral and non-polar, at codon 657 of the LTBP2 protein (p.Ser657Leu). This variant is present in population databases (rs150361429, gnomAD 0.02%). This variant has not been reported in the literature in individuals affected with LTBP2-related conditions. ClinVar contains an entry for this variant (Variation ID: 1441980). Algorithms developed to predict the effect of missense changes on protein structure and function (SIFT, PolyPhen-2, Align-GVGD) all suggest that this variant is likely to be disruptive. In summary, the available evidence is currently insufficient to determine the role of this variant in disease. Therefore, it has been classified as a Variant of Uncertain Significance.

NM_000428.3(LTBP2):c.1970C>T (p.Ser657Leu)

Gene: LTBP2 (latent transforming growth factor beta binding protein 2; minus strand). Cytogenetic location: 14q24.3.
Variant type: single nucleotide variant.
Coding change: c.1970C>T on transcript NM_000428.3 (MANE Select); coding-DNA position 1970, C replaced by T.
Protein change: p.Ser657Leu; replaces serine 657 with leucine.
Molecular consequence: missense variant.
Genome position (GRCh38, 1-based): chr14:74,532,443, G>A on the plus strand (C>T on the coding strand, the complement: LTBP2 is on the minus strand). VCF-style: chr14-74532443-G-A. GRCh37 (hg19) VCF-style: chr14-74999146-G-A.
Other names: c.1970C>T (NM_000428.2); short protein forms S657L.
Identifiers: ClinVar variation 1441980 (VCV001441980.6), dbSNP rs150361429, ClinGen allele CA7269699.